The following is an entry in ClinVar:

NM_000059.4(BRCA2):c.895G>A (p.Val299Ile)

Gene: BRCA2 (BRCA2 DNA repair associated; plus strand). Cytogenetic location: 13q13.1.
Variant type: single nucleotide variant.
Coding change: c.895G>A on transcript NM_000059.4 (MANE Select); coding-DNA position 895, G replaced by A.
Protein change: p.Val299Ile; replaces valine 299 with isoleucine.
Molecular consequence: missense variant.
Genome position (GRCh38, 1-based): chr13:32,332,373, G>A. VCF-style: chr13-32332373-G-A. GRCh37 (hg19) VCF-style: chr13-32906510-G-A.
Other names: short protein forms V299I.
Identifiers: ClinVar variation 970796 (VCV000970796.12), dbSNP rs2072399652, ClinGen allele CA387760667.

ClinVar aggregate classification (germline): Conflicting classifications of pathogenicity. Review status: criteria provided, conflicting classifications (1 of 4 stars). 3 submissions from 3 submitters: Uncertain significance (2); Likely benign (1). Last evaluated 2024-04-22.

Conditions:
Hereditary cancer-predisposing syndrome. Also called: Neoplastic Syndromes, Hereditary; Hereditary Cancer Syndrome; Tumor predisposition; Hereditary neoplastic syndrome. Identifiers: Orphanet 140162, MedGen C0027672, MeSH D009386, MONDO:0015356.
Hereditary breast ovarian cancer syndrome. Also called: BRCA1- and BRCA2-Associated Hereditary Breast and Ovarian Cancer; Hereditary breast and ovarian cancer; Hereditary breast and ovarian cancer syndrome; Hereditary breast and/or ovarian cancer syndrome; Hereditary breast and ovarian cancer syndrome (HBOC); Breast and ovarian cancer. Identifiers: Orphanet 145, MedGen C0677776, MeSH D061325, MONDO:0003582. Disease mechanism: loss of function.

Submissions (3):

Labcorp Genetics (formerly Invitae), Labcorp
Classification: Uncertain significance for Hereditary breast ovarian cancer syndrome. Last evaluated: 2024-04-22. Review status: criteria provided, single submitter. Criteria: Invitae Variant Classification Sherloc (09022015). Collection method: clinical testing. Allele origin: germline.
Comment: This sequence change replaces valine, which is neutral and non-polar, with isoleucine, which is neutral and non-polar, at codon 299 of the BRCA2 protein (p.Val299Ile). This variant is not present in population databases (gnomAD no frequency). This variant has not been reported in the literature in individuals affected with BRCA2-related conditions. ClinVar contains an entry for this variant (Variation ID: 970796). Advanced modeling of protein sequence and biophysical properties (such as structural, functional, and spatial information, amino acid conservation, physicochemical variation, residue mobility, and thermodynamic stability) performed at Invitae indicates that this missense variant is not expected to disrupt BRCA2 protein function with a negative predictive value of 95%. In summary, the available evidence is currently insufficient to determine the role of this variant in disease. Therefore, it has been classified as a Variant of Uncertain Significance.

Ambry Genetics
Classification: Uncertain significance for Hereditary cancer-predisposing syndrome. Last evaluated: 2023-06-21. Review status: criteria provided, single submitter. Criteria: Ambry Variant Classification Scheme 2023. Collection method: clinical testing. Allele origin: germline.
Comment: The p.V299I variant (also known as c.895G>A), located in coding exon 9 of the BRCA2 gene, results from a G to A substitution at nucleotide position 895. The valine at codon 299 is replaced by isoleucine, an amino acid with highly similar properties. This amino acid position is not well conserved in available vertebrate species. In addition, this alteration is predicted to be tolerated by in silico analysis. Since supporting evidence is limited at this time, the clinical significance of this alteration remains unclear.

University of Washington Department of Laboratory Medicine, University of Washington
Classification: Likely benign for Hereditary cancer-predisposing syndrome. Last evaluated: 2023-03-23. Review status: criteria provided, single submitter. Criteria: Dines et al. (Genet Med. 2020). Collection method: curation. Allele origin: germline.
Comment: Missense variant in a coldspot region where missense variants are very unlikely to be pathogenic (PMID:31911673).

BRCA2 exon 10 coldspot. Reclassification based on statistical prior probability.